The following is an entry in ClinVar:

NM_014140.4(SMARCAL1):c.2244G>A (p.Lys748=)

Gene: SMARCAL1 (SNF2 related chromatin remodeling annealing helicase 1; plus strand). Cytogenetic location: 2q35.
Variant type: single nucleotide variant.
Coding change: c.2244G>A on transcript NM_014140.4 (MANE Select); coding-DNA position 2244, G replaced by A.
Protein change: p.Lys748=; no amino-acid change (lysine 748 retained).
Molecular consequence: synonymous variant.
Genome position (GRCh38, 1-based): chr2:216,468,046, G>A. VCF-style: chr2-216468046-G-A. GRCh37 (hg19) VCF-style: chr2-217332769-G-A.
Other names: c.2244G>A, p.Lys748= (NM_001127207.2).
Identifiers: ClinVar variation 1370174 (VCV001370174.3), dbSNP rs765641883, ClinGen allele CA2098148.

ClinVar aggregate classification (germline): Uncertain significance (1 of 4 stars; one submission).

Conditions:
Schimke immuno-osseous dysplasia (SIOD). Also called: Schimke Immunoosseous Dysplasia. Identifiers: Orphanet 1830, MedGen C0877024, MONDO:0009458, OMIM 242900.

Allele frequency attached by ClinVar (database versions not stated): gnomAD exomes below 0.00001 and 0.00001; gnomAD 0.00001; TOPMed 0.00001; ExAC 0.00002.
gnomAD v4.1: 6 of 1,606,962 alleles (0.00037%); highest among the groups gnomAD compares: African/African-American, 0.0027%; no homozygotes.

Submission:

Labcorp Genetics (formerly Invitae), Labcorp
Classification: Uncertain significance for Schimke immuno-osseous dysplasia. Last evaluated: 2021-10-21. Review status: criteria provided, single submitter. Criteria: Invitae Variant Classification Sherloc (09022015). Collection method: clinical testing. Allele origin: germline.
Comment: This sequence change affects codon 748 of the SMARCAL1 mRNA. It is a 'silent' change, meaning that it does not change the encoded amino acid sequence of the SMARCAL1 protein. This variant also falls at the last nucleotide of exon 14, which is part of the consensus splice site for this exon. This variant is present in population databases (rs765641883, ExAC 0.01%). This variant has not been reported in the literature in individuals affected with SMARCAL1-related conditions. Variants that disrupt the consensus splice site are a relatively common cause of aberrant splicing (PMID: 17576681, 9536098). Algorithms developed to predict the effect of sequence changes on RNA splicing suggest that this variant may disrupt the consensus splice site. In summary, the available evidence is currently insufficient to determine the role of this variant in disease. Therefore, it has been classified as a Variant of Uncertain Significance.

Literature cited by the submitters: PubMed 17576681; PubMed 9536098.